The following is an entry in ClinVar:

ClinVar aggregate classification (germline): Pathogenic (1 of 4 stars; one submission).

Conditions:
Neurofibromatosis, type 1 (NF1). Also called: VON RECKLINGHAUSEN DISEASE; Neurofibromatosis, type I; Peripheral type neurofibromatosis; NEUROFIBROMATOSIS, TYPE I, SOMATIC. Identifiers: Orphanet 636, MedGen C0027831, MONDO:0018975, OMIM 162200. Disease mechanism: loss of function.

Submission:

Labcorp Genetics (formerly Invitae), Labcorp
Classification: Pathogenic for Neurofibromatosis, type 1. Last evaluated: 2025-08-21. Review status: criteria provided, single submitter. Criteria: Invitae Variant Classification Sherloc (09022015). Collection method: clinical testing. Allele origin: germline.
Comment: This sequence change creates a premature translational stop signal (p.Ala1148Glyfs*47) in the NF1 gene. It is expected to result in an absent or disrupted protein product. Loss-of-function variants in NF1 are known to be pathogenic (PMID: 10712197, 23913538). This variant is not present in population databases (gnomAD no frequency). This premature translational stop signal has been observed in individual(s) with neurofibromatosis, type 1 (PMID: 35240321). ClinVar contains an entry for this variant (Variation ID: 2854141). Algorithms developed to predict the effect of sequence changes on RNA splicing suggest that this variant may disrupt the consensus splice site. For these reasons, this variant has been classified as Pathogenic.

Literature cited by the submitters: PubMed 10712197; PubMed 23913538; PubMed 35240321.

NM_001042492.3(NF1):c.3442dup (p.Ala1148fs)

Gene: NF1 (neurofibromin 1; plus strand). Cytogenetic location: 17q11.2.
Variant type: Duplication.
Coding change: c.3442dup on transcript NM_001042492.3 (MANE Select); coding-DNA position 3442, one base duplicated (G; older notation c.3442dupG).
Protein change: p.Ala1148fs; shifts the reading frame from alanine 1148.
Molecular consequence: frameshift variant.
Genome position (GRCh38, 1-based): chr17:31,232,827, G duplicated. VCF-style (leftmost placement, unchanged base first): chr17-31232826-T-TG. GRCh37 (hg19) VCF-style: chr17-29559844-T-TG.
Other names: c.3442dup, p.Ala1148Glyfs (NM_000267.4); short protein forms A1148fs.
Identifiers: ClinVar variation 2854141 (VCV002854141.3), dbSNP rs2508232797, ClinGen allele CA2695224883.